The following is an entry in ClinVar:

NM_006509.4(RELB):c.1301G>A (p.Arg434Gln)

Gene: RELB (RELB proto-oncogene, NF-kB subunit; plus strand). Cytogenetic location: 19q13.32.
Variant type: single nucleotide variant.
Coding change: c.1301G>A on transcript NM_006509.4 (MANE Select); coding-DNA position 1301, G replaced by A.
Protein change: p.Arg434Gln; replaces arginine 434 with glutamine.
Molecular consequence: missense variant.
Genome position (GRCh38, 1-based): chr19:45,034,475, G>A. VCF-style: chr19-45034475-G-A. GRCh37 (hg19) VCF-style: chr19-45537733-G-A.
Other names: c.1292G>A, p.Arg431Gln (NM_001411087.1); short protein forms R434Q, R431Q.
Identifiers: ClinVar variation 2903606 (VCV002903606.3), dbSNP rs1466683069, ClinGen allele CA406307419.

ClinVar aggregate classification (germline): Uncertain significance (1 of 4 stars; one submission).

Allele frequency attached by ClinVar (database versions not stated): TOPMed 0.00001; gnomAD 0.00001; gnomAD exomes 0.00001.
gnomAD v4.1: 10 of 1,611,410 alleles (0.00062%); highest among the groups gnomAD compares: Admixed American, 0.0017%; no homozygotes.

Submission:

Labcorp Genetics (formerly Invitae), Labcorp
Classification: Uncertain significance. Last evaluated: 2025-11-23. Review status: criteria provided, single submitter. Criteria: Invitae Variant Classification Sherloc (09022015). Collection method: clinical testing. Allele origin: germline.
Comment: This sequence change replaces arginine, which is basic and polar, with glutamine, which is neutral and polar, at codon 434 of the RELB protein (p.Arg434Gln). This variant is not present in population databases (gnomAD no frequency). This variant has not been reported in the literature in individuals affected with RELB-related conditions. ClinVar contains an entry for this variant (Variation ID: 2903606). An algorithm developed to predict the effect of missense changes on protein structure and function (PolyPhen-2) suggests that this variant is likely to be disruptive. In summary, the available evidence is currently insufficient to determine the role of this variant in disease. Therefore, it has been classified as a Variant of Uncertain Significance.